The following is an entry in ClinVar:

NM_000245.4(MET):c.3524A>C (p.Asn1175Thr)

Gene: MET (MET proto-oncogene, receptor tyrosine kinase; plus strand). Cytogenetic location: 7q31.2.
Variant type: single nucleotide variant.
Coding change: c.3524A>C on transcript NM_000245.4 (MANE Select); coding-DNA position 3524, A replaced by C.
Protein change: p.Asn1175Thr; replaces asparagine 1175 with threonine.
Molecular consequence: missense variant.
Genome position (GRCh38, 1-based): chr7:116,781,989, A>C. VCF-style: chr7-116781989-A-C. GRCh37 (hg19) VCF-style: chr7-116422043-A-C.
Other names: c.3578A>C, p.Asn1193Thr (NM_001127500.3); c.2234A>C, p.Asn745Thr (NM_001324402.2); c.3578A>C (LRG_662t1); short protein forms N1193T, N1175T, N745T.
Identifiers: ClinVar variation 454243 (VCV000454243.10), dbSNP rs1554400071, ClinGen allele CA368990879.

ClinVar aggregate classification (germline): Uncertain significance (1 of 4 stars; one submission).

Conditions:
Renal cell carcinoma. Identifiers: Orphanet 217071, MedGen C0007134, MeSH D002292, MONDO:0005086, HP:0005584.

Submission:

Labcorp Genetics (formerly Invitae), Labcorp
Classification: Uncertain significance for Renal cell carcinoma. Last evaluated: 2022-12-21. Review status: criteria provided, single submitter. Criteria: Invitae Variant Classification Sherloc (09022015). Collection method: clinical testing. Allele origin: germline.
Comment: This sequence change replaces asparagine, which is neutral and polar, with threonine, which is neutral and polar, at codon 1193 of the MET protein (p.Asn1193Thr). This variant is not present in population databases (gnomAD no frequency). This variant has not been reported in the literature in individuals affected with MET-related conditions. ClinVar contains an entry for this variant (Variation ID: 454243). Algorithms developed to predict the effect of missense changes on protein structure and function are either unavailable or do not agree on the potential impact of this missense change (SIFT: "Deleterious"; PolyPhen-2: "Benign"; Align-GVGD: "Class C0"). In summary, the available evidence is currently insufficient to determine the role of this variant in disease. Therefore, it has been classified as a Variant of Uncertain Significance.